The following is an entry in ClinVar:

NM_012092.4(ICOS):c.*2A>C

Gene: ICOS (inducible T cell costimulator; plus strand). Cytogenetic location: 2q33.2.
Variant type: single nucleotide variant.
Coding change: c.*2A>C on transcript NM_012092.4 (MANE Select); 2 bases downstream of the stop codon, A replaced by C.
Molecular consequence: 3 prime UTR variant.
Genome position (GRCh38, 1-based): chr2:203,959,601, A>C. VCF-style: chr2-203959601-A-C. GRCh37 (hg19) VCF-style: chr2-204824324-A-C.
Identifiers: ClinVar variation 333739 (VCV000333739.16), dbSNP rs10183087, ClinGen allele CA2067352.

ClinVar aggregate classification (germline): Benign/Likely benign. Review status: criteria provided, multiple submitters, no conflicts (2 of 4 stars). 9 submissions from 9 submitters: Benign (8); Likely benign (1). Last evaluated 2026-01-21.

Conditions:
Immunodeficiency, common variable, 1. Also called: ANTIBODY DEFICIENCY DUE TO ICOS DEFECT. Identifiers: Orphanet 1572, Orphanet 695183, MedGen C3149378, MONDO:0011864, OMIM 607594.

Allele frequency attached by ClinVar (database versions not stated): gnomAD 0.29336 and 0.29378; TOPMed 0.29962; ESP Exome Variant Server 0.30678; 1000 Genomes Project 0.30771; 1000 Genomes Project 30x 0.31262.
gnomAD v4.1: 415,432 of 1,608,482 alleles (26%); highest among the groups gnomAD compares: African/African-American, 42%; 56,426 homozygotes.

Submissions (9):

Women's Health and Genetics/Laboratory Corporation of America, LabCorp
Classification: Benign. Last evaluated: 2026-01-21. Review status: criteria provided, single submitter. Criteria: LabCorp Variant Classification Summary - May 2015. Collection method: clinical testing. Allele origin: germline.

Blueprint Genetics
Classification: Likely benign. Last evaluated: 2024-11-26. Review status: criteria provided, single submitter. Criteria: ACMG Guidelines, 2015. Collection method: clinical testing. Allele origin: germline.

Unidad de Genómica Garrahan, Hospital de Pediatría Garrahan
Classification: Benign. Last evaluated: 2024-01-24. Review status: criteria provided, single submitter. Criteria: ACMG Guidelines, 2015. Collection method: clinical testing. Allele origin: germline. Affected: no. Observed: 56 variant alleles.
Comment: This variant is classified as Benign based on local population frequency. This variant was detected in 59% of patients studied by a panel of primary immunodeficiencies. Number of patients: 56. Only high quality variants are reported.

Genome-Nilou Lab
Classification: Benign for Immunodeficiency, common variable, 1. Last evaluated: 2021-08-10. Review status: criteria provided, single submitter. Criteria: ACMG Guidelines, 2015. Collection method: clinical testing. Allele origin: germline. Affected: no.

GeneDx
Classification: Benign. Last evaluated: 2018-11-12. Review status: criteria provided, single submitter. Criteria: GeneDx Variant Classification Process June 2021. Collection method: clinical testing. Allele origin: germline. Affected: yes.

Illumina Laboratory Services, Illumina
Classification: Benign for Immunodeficiency, common variable, 1. Last evaluated: 2018-01-13. Review status: criteria provided, single submitter. Criteria: ICSL Variant Classification Criteria 13 December 2019. Collection method: clinical testing. Allele origin: germline.
Comment: This variant was observed in the ICSL laboratory as part of a predisposition screen in an ostensibly healthy population. It had not been previously curated by ICSL or reported in the Human Gene Mutation Database (HGMD: prior to June 1st, 2018), and was therefore a candidate for classification through an automated scoring system. Utilizing variant allele frequency, disease prevalence and penetrance estimates, and inheritance mode, an automated score was calculated to assess if this variant is too frequent to cause the disease. Based on the score and internal cut-off values, a variant classified as benign is not then subjected to further curation. The score for this variant resulted in a classification of benign for this disease.

Mayo Clinic Laboratories, Mayo Clinic
Classification: Benign. Last evaluated: 2016-09-27. Review status: criteria provided, single submitter. Criteria: ACMG Guidelines, 2015. Collection method: clinical testing. Allele origin: germline. Observed: 382 variant alleles.

Laboratory for Molecular Medicine, Mass General Brigham Personalized Medicine
Classification: Benign. Last evaluated: 2016-03-29. Review status: criteria provided, single submitter. Criteria: LMM Criteria. Collection method: clinical testing. Allele origin: germline.
Comment: Variant identified in a genome or exome case(s) and assessed due to predicted null impact of the variant or pathogenic assertions in the literature or databases. Disclaimer: This variant has not undergone full assessment. The following are preliminary notes: Frequency

Breakthrough Genomics
Classification: Benign. Review status: criteria provided, single submitter. Criteria: ACMG Guidelines, 2015. Collection method: not provided. Allele origin: germline. Inheritance: Autosomal recessive inheritance. Affected: yes.